The following is an entry in ClinVar:

NM_198173.3(GRHL3):c.1363C>G (p.Pro455Ala)

Gene: GRHL3 (grainyhead like transcription factor 3; plus strand). Cytogenetic location: 1p36.11.
Variant type: single nucleotide variant.
Coding change: c.1363C>G on transcript NM_198173.3 (MANE Select); coding-DNA position 1363, C replaced by G.
Protein change: p.Pro455Ala; replaces proline 455 with alanine.
Molecular consequence: missense variant.
Genome position (GRCh38, 1-based): chr1:24,342,969, C>G. VCF-style: chr1-24342969-C-G. GRCh37 (hg19) VCF-style: chr1-24669459-C-G.
Other names: c.1363C>G (NM_198173.2); c.1225C>G, p.Pro409Ala (NM_001195010.2); c.1378C>G, p.Pro460Ala (NM_021180.4); c.1363C>G, p.Pro455Ala (NM_198174.3); short protein forms P409A, P460A, P455A.
Identifiers: ClinVar variation 697776 (VCV000697776.34), dbSNP rs141193530, ClinGen allele CA690191.

ClinVar aggregate classification (germline): Benign/Likely benign. Review status: criteria provided, multiple submitters, no conflicts (2 of 4 stars). 3 submissions from 3 submitters: Benign (1); Likely benign (1). 1 of the submissions does not count toward it. Last evaluated 2026-01-25.

Conditions:
GRHL3-related disorder. Also called: GRHL3-related condition.
Van der Woude syndrome 2 (VWS2). Identifiers: Orphanet 888, MedGen C1847604, MONDO:0011712, OMIM 606713.

Allele frequency attached by ClinVar (database versions not stated): 1000 Genomes Project 30x 0.00094; 1000 Genomes Project 0.00120; TOPMed 0.00490; gnomAD exomes 0.00506 and 0.00710; ExAC 0.00508; gnomAD 0.00527 and 0.00535; ESP Exome Variant Server 0.00577.
gnomAD v4.1: 11,148 of 1,614,086 alleles (0.69%); highest among the groups gnomAD compares: Non-Finnish European, 0.85%; 48 homozygotes.

Submissions (3):

Labcorp Genetics (formerly Invitae), Labcorp
Classification: Benign for Van der Woude syndrome 2. Last evaluated: 2026-01-25. Review status: criteria provided, single submitter. Criteria: Invitae Variant Classification Sherloc (09022015). Collection method: clinical testing. Allele origin: germline.

CeGaT Center for Human Genetics Tuebingen
Classification: Likely benign. Last evaluated: 2024-01-01. Review status: criteria provided, single submitter. Criteria: CeGaT Center For Human Genetics Tuebingen Variant Classification Criteria Version 2. Collection method: clinical testing. Allele origin: germline. Affected: yes. Observed: 2 variant alleles.
Comment: GRHL3: BP4, BS2

PreventionGenetics, part of Exact Sciences
Classification: Benign for GRHL3-related condition. Last evaluated: 2019-03-25. Review status: no assertion criteria provided. Collection method: clinical testing. Allele origin: germline. Not counted in ClinVar's aggregate classification.
Comment: This variant is classified as benign based on ACMG/AMP sequence variant interpretation guidelines (Richards et al. 2015 PMID: 25741868, with internal and published modifications).